The following is an entry in ClinVar:

NM_198859.4(PRICKLE2):c.1175C>A (p.Pro392His)

Gene: PRICKLE2 (prickle planar cell polarity protein 2; minus strand). Cytogenetic location: 3p14.1.
Variant type: single nucleotide variant.
Coding change: c.1175C>A on transcript NM_198859.4 (MANE Select); coding-DNA position 1175, C replaced by A.
Protein change: p.Pro392His; replaces proline 392 with histidine.
Molecular consequence: missense variant.
Genome position (GRCh38, 1-based): chr3:64,147,315, G>T on the plus strand (C>A on the coding strand, the complement: PRICKLE2 is on the minus strand). VCF-style: chr3-64147315-G-T. GRCh37 (hg19) VCF-style: chr3-64132991-G-T.
Other names: c.1175C>A, p.Pro392His (NM_001370528.1); short protein forms P392H.
Identifiers: ClinVar variation 853962 (VCV000853962.7), dbSNP rs2077472798, ClinGen allele CA353430752.

ClinVar aggregate classification (germline): Uncertain significance (1 of 4 stars; one submission).

Conditions:
Progressive myoclonic epilepsy type 5. Identifiers: Orphanet 402082, MedGen C5190799.

Allele frequency attached by ClinVar (database versions not stated): gnomAD exomes below 0.00001.
gnomAD v4.1: 1 of 1,613,930 alleles (0.000062%); highest among the groups gnomAD compares: Non-Finnish European, 0.000085%; no homozygotes.

Submission:

Labcorp Genetics (formerly Invitae), Labcorp
Classification: Uncertain significance for Progressive myoclonic epilepsy type 5. Last evaluated: 2020-02-17. Review status: criteria provided, single submitter. Criteria: Invitae Variant Classification Sherloc (09022015). Collection method: clinical testing. Allele origin: germline.
Comment: This sequence change replaces proline with histidine at codon 392 of the PRICKLE2 protein (p.Pro392His). The proline residue is moderately conserved and there is a moderate physicochemical difference between proline and histidine. This variant is not present in population databases (ExAC no frequency). This variant has not been reported in the literature in individuals with PRICKLE2-related conditions. Algorithms developed to predict the effect of missense changes on protein structure and function output the following: SIFT: "Tolerated"; PolyPhen-2: "Benign"; Align-GVGD: "Class C0". The histidine amino acid residue is found in multiple mammalian species, suggesting that this missense change does not adversely affect protein function. These predictions have not been confirmed by published functional studies and their clinical significance is uncertain. In summary, the available evidence is currently insufficient to determine the role of this variant in disease. Therefore, it has been classified as a Variant of Uncertain Significance.